The following is an entry in ClinVar:

ClinVar aggregate classification (germline): Uncertain significance. Review status: criteria provided, multiple submitters, no conflicts (2 of 4 stars). 4 submissions from 4 submitters: Uncertain significance (4). Last evaluated 2025-11-03.

Conditions:
Hereditary cancer-predisposing syndrome. Also called: Tumor predisposition; Neoplastic Syndromes, Hereditary; Hereditary Cancer Syndrome; Hereditary neoplastic syndrome. Identifiers: Orphanet 140162, MedGen C0027672, MeSH D009386, MONDO:0015356.
Neuroblastoma, susceptibility to, 3. Also called: ALK-Related Neuroblastic Tumor Susceptibility. Identifiers: Orphanet 635, MedGen C2751681, MONDO:0013083, OMIM 613014.

Allele frequency attached by ClinVar (database versions not stated): gnomAD exomes 0.00001; TOPMed 0.00001.
gnomAD v4.1: 13 of 1,592,020 alleles (0.00082%); highest among the groups gnomAD compares: African/African-American, 0.0013%; no homozygotes.

Submissions (4):

Labcorp Genetics (formerly Invitae), Labcorp
Classification: Uncertain significance for Neuroblastoma, susceptibility to, 3. Last evaluated: 2025-11-03. Review status: criteria provided, single submitter. Criteria: Invitae Variant Classification Sherloc (09022015). Collection method: clinical testing. Allele origin: germline.
Comment: This sequence change replaces serine, which is neutral and polar, with alanine, which is neutral and non-polar, at codon 31 of the ALK protein (p.Ser31Ala). This variant is not present in population databases (gnomAD no frequency). This variant has not been reported in the literature in individuals affected with ALK-related conditions. ClinVar contains an entry for this variant (Variation ID: 404340). An algorithm developed to predict the effect of missense changes on protein structure and function (PolyPhen-2) suggests that this variant is likely to be tolerated. In summary, the available evidence is currently insufficient to determine the role of this variant in disease. Therefore, it has been classified as a Variant of Uncertain Significance.

Ambry Genetics
Classification: Uncertain significance for Hereditary cancer-predisposing syndrome. Last evaluated: 2024-11-16. Review status: criteria provided, single submitter. Criteria: Ambry Variant Classification Scheme 2023. Collection method: clinical testing. Allele origin: germline.
Comment: The p.S31A variant (also known as c.91T>G), located in coding exon 1 of the ALK gene, results from a T to G substitution at nucleotide position 91. The serine at codon 31 is replaced by alanine, an amino acid with similar properties. This amino acid position is conserved. In addition, this alteration is predicted to be tolerated by in silico analysis. Since supporting evidence is limited at this time, the clinical significance of this alteration remains unclear.

Baylor Genetics
Classification: Uncertain significance for Neuroblastoma, susceptibility to, 3. Last evaluated: 2023-09-23. Review status: criteria provided, single submitter. Criteria: ACMG Guidelines, 2015. Collection method: clinical testing. Allele origin: unknown.

GeneDx
Classification: Uncertain significance. Last evaluated: 2023-06-15. Review status: criteria provided, single submitter. Criteria: GeneDx Variant Classification Process June 2021. Collection method: clinical testing. Allele origin: germline. Affected: yes.
Comment: Not observed at significant frequency in large population cohorts (gnomAD); In silico analysis supports that this missense variant does not alter protein structure/function; Has not been previously published as pathogenic or benign to our knowledge

NM_004304.5(ALK):c.91T>G (p.Ser31Ala)

Gene: ALK (ALK receptor tyrosine kinase; minus strand). Cytogenetic location: 2p23.1.
Variant type: single nucleotide variant.
Coding change: c.91T>G on transcript NM_004304.5 (MANE Select); coding-DNA position 91, T replaced by G.
Protein change: p.Ser31Ala; replaces serine 31 with alanine.
Molecular consequence: missense variant.
Genome position (GRCh38, 1-based): chr2:29,920,569, A>C on the plus strand (T>G on the coding strand, the complement: ALK is on the minus strand). VCF-style: chr2-29920569-A-C. GRCh37 (hg19) VCF-style: chr2-30143435-A-C.
Other names: short protein forms S31A.
Identifiers: ClinVar variation 404340 (VCV000404340.17), dbSNP rs1026192345, ClinGen allele CA16610741.